The following is an entry in ClinVar:

NM_006922.4(SCN3A):c.3941C>G (p.Ala1314Gly)

Gene: SCN3A (sodium voltage-gated channel alpha subunit 3; minus strand). Cytogenetic location: 2q24.3.
Variant type: single nucleotide variant.
Coding change: c.3941C>G on transcript NM_006922.4 (MANE Select); coding-DNA position 3941, C replaced by G.
Protein change: p.Ala1314Gly; replaces alanine 1314 with glycine.
Molecular consequence: missense variant.
Genome position (GRCh38, 1-based): chr2:165,100,327, G>C on the plus strand (C>G on the coding strand, the complement: SCN3A is on the minus strand). VCF-style: chr2-165100327-G-C. GRCh37 (hg19) VCF-style: chr2-165956837-G-C.
Other names: c.3794C>G, p.Ala1265Gly (NM_001081676.2, NM_001081677.2); short protein forms A1314G, A1265G.
Identifiers: ClinVar variation 1409557 (VCV001409557.6), dbSNP rs2105659845, ClinGen allele CA349027944.

ClinVar aggregate classification (germline): Uncertain significance (1 of 4 stars; one submission).

Submission:

Labcorp Genetics (formerly Invitae), Labcorp
Classification: Uncertain significance. Last evaluated: 2024-02-26. Review status: criteria provided, single submitter. Criteria: Invitae Variant Classification Sherloc (09022015). Collection method: clinical testing. Allele origin: germline.
Comment: This sequence change replaces alanine, which is neutral and non-polar, with glycine, which is neutral and non-polar, at codon 1314 of the SCN3A protein (p.Ala1314Gly). This variant is not present in population databases (gnomAD no frequency). This variant has not been reported in the literature in individuals affected with SCN3A-related conditions. ClinVar contains an entry for this variant (Variation ID: 1409557). Advanced modeling of protein sequence and biophysical properties (such as structural, functional, and spatial information, amino acid conservation, physicochemical variation, residue mobility, and thermodynamic stability) has been performed at Invitae for this missense variant, however the output from this modeling did not meet the statistical confidence thresholds required to predict the impact of this variant on SCN3A protein function. In summary, the available evidence is currently insufficient to determine the role of this variant in disease. Therefore, it has been classified as a Variant of Uncertain Significance.